The following is an entry in ClinVar:

ClinVar aggregate classification (germline): Uncertain significance. Review status: criteria provided, multiple submitters, no conflicts (2 of 4 stars). 2 submissions from 2 submitters: Uncertain significance (2). Last evaluated 2026-01-24.

Submissions (2):

Labcorp Genetics (formerly Invitae), Labcorp
Classification: Uncertain significance. Last evaluated: 2026-01-24. Review status: criteria provided, single submitter. Criteria: Invitae Variant Classification Sherloc (09022015). Collection method: clinical testing. Allele origin: germline.
Comment: This sequence change replaces proline, which is neutral and non-polar, with leucine, which is neutral and non-polar, at codon 951 of the COL11A2 protein (p.Pro951Leu). This variant is not present in population databases (gnomAD no frequency). This variant has not been reported in the literature in individuals affected with COL11A2-related conditions. ClinVar contains an entry for this variant (Variation ID: 1302342). Invitae Evidence Modeling of protein sequence and biophysical properties (such as structural, functional, and spatial information, amino acid conservation, physicochemical variation, residue mobility, and thermodynamic stability) indicates that this missense variant is not expected to disrupt COL11A2 protein function with a negative predictive value of 95%. In summary, the available evidence is currently insufficient to determine the role of this variant in disease. Therefore, it has been classified as a Variant of Uncertain Significance.

GeneDx
Classification: Uncertain significance. Last evaluated: 2020-06-24. Review status: criteria provided, single submitter. Criteria: GeneDx Variant Classification Process June 2021. Collection method: clinical testing. Allele origin: germline. Affected: yes.
Comment: Not observed in large population cohorts (Lek et al., 2016); In silico analysis supports that this missense variant has a deleterious effect on protein structure/function; Has not been previously published as pathogenic or benign to our knowledge

NM_080680.3(COL11A2):c.2852C>T (p.Pro951Leu)

Gene: COL11A2 (collagen type XI alpha 2 chain; minus strand). Cytogenetic location: 6p21.32.
Variant type: single nucleotide variant.
Coding change: c.2852C>T on transcript NM_080680.3 (MANE Select); coding-DNA position 2852, C replaced by T.
Protein change: p.Pro951Leu; replaces proline 951 with leucine.
Molecular consequence: missense variant.
Genome position (GRCh38, 1-based): chr6:33,172,576, G>A on the plus strand (C>T on the coding strand, the complement: COL11A2 is on the minus strand). VCF-style: chr6-33172576-G-A. GRCh37 (hg19) VCF-style: chr6-33140353-G-A.
Other names: c.2531C>T, p.Pro844Leu (NM_080679.3); c.2594C>T, p.Pro865Leu (NM_080681.3); short protein forms P844L, P865L, P951L.
Identifiers: ClinVar variation 1302342 (VCV001302342.5), dbSNP rs1770261401, ClinGen allele CA363637824.